The following is an entry in ClinVar:

ClinVar aggregate classification (germline): Uncertain significance (1 of 4 stars; one submission).

Conditions:
Ataxia-telangiectasia syndrome (AT). Also called: ATAXIA-TELANGIECTASIA, FRESNO VARIANT; Ataxia-telangiectasia, complementation group D; AT, COMPLEMENTATION GROUP C; Ataxia-telangiectasia; Ataxia-telangiectasia, complementation group E; Ataxia telangiectasia (A-T). Identifiers: Orphanet 100, MedGen C0004135, MONDO:0008840, OMIM 208900.

Submission:

Labcorp Genetics (formerly Invitae), Labcorp
Classification: Uncertain significance for Ataxia-telangiectasia syndrome. Last evaluated: 2025-03-18. Review status: criteria provided, single submitter. Criteria: Invitae Variant Classification Sherloc (09022015). Collection method: clinical testing. Allele origin: germline.
Comment: This sequence change falls in intron 37 of the ATM gene. It does not directly change the encoded amino acid sequence of the ATM protein. It affects a nucleotide within the consensus splice site. This variant is not present in population databases (gnomAD no frequency). This variant has not been reported in the literature in individuals affected with ATM-related conditions. ClinVar contains an entry for this variant (Variation ID: 1058326). Variants that disrupt the consensus splice site are a relatively common cause of aberrant splicing (PMID: 17576681, 9536098). Studies have shown that this variant is associated with inconclusive levels of altered splicing (internal data). In summary, the available evidence is currently insufficient to determine the role of this variant in disease. Therefore, it has been classified as a Variant of Uncertain Significance.

Literature cited by the submitters: PubMed 17576681; PubMed 9536098.

NM_000051.4(ATM):c.5675-2dup

Gene: ATM (ATM serine/threonine kinase; plus strand). Cytogenetic location: 11q22.3.
Variant type: Duplication.
Coding change: c.5675-2dup on transcript NM_000051.4 (MANE Select); the canonical splice acceptor site of the intron before coding-DNA position 5675, one base duplicated (A; older notation c.5675-2dupA).
Molecular consequence: splice acceptor variant.
Genome position (GRCh38, 1-based): chr11:108,307,895, A duplicated. VCF-style (leftmost placement, unchanged base first): chr11-108307894-C-CA. GRCh37 (hg19) VCF-style: chr11-108178621-C-CA.
Other names: c.5675-2dup (NM_001351834.2).
Identifiers: ClinVar variation 1058326 (VCV001058326.7), dbSNP rs2135975648, ClinGen allele CA2499220662.